The following is an entry in ClinVar:

ClinVar aggregate classification (germline): Uncertain significance. Review status: criteria provided, multiple submitters, no conflicts (2 of 4 stars). 3 submissions from 3 submitters: Uncertain significance (3). Last evaluated 2025-01-09.

Conditions:
Inborn genetic diseases. Identifiers: MedGen C0950123, MeSH D030342.
Glycogen storage disease IXc (GSD9C). Also called: GSD IXc. Identifiers: Orphanet 264580, MedGen C2751643, MONDO:0013091, OMIM 613027.

Allele frequency attached by ClinVar (database versions not stated): gnomAD exomes 0.00002; ExAC 0.00005; gnomAD 0.00005 and 0.00006; ESP Exome Variant Server 0.00008; TOPMed 0.00008.
gnomAD v4.1: 41 of 1,613,930 alleles (0.0025%); highest among the groups gnomAD compares: African/African-American, 0.015%; no homozygotes.

Submissions (3):

Ambry Genetics
Classification: Uncertain significance for Inborn genetic diseases. Last evaluated: 2025-01-09. Review status: criteria provided, single submitter. Criteria: Ambry Variant Classification Scheme 2023. Collection method: clinical testing. Allele origin: germline.

Labcorp Genetics (formerly Invitae), Labcorp
Classification: Uncertain significance for Glycogen storage disease IXc. Last evaluated: 2021-08-27. Review status: criteria provided, single submitter. Criteria: Invitae Variant Classification Sherloc (09022015). Collection method: clinical testing. Allele origin: germline.
Comment: This sequence change replaces tyrosine with cysteine at codon 118 of the PHKG2 protein (p.Tyr118Cys). The tyrosine residue is highly conserved and there is a large physicochemical difference between tyrosine and cysteine. This variant is present in population databases (rs370423261, ExAC 0.04%). This variant has not been reported in the literature in individuals affected with PHKG2-related conditions. Advanced modeling of protein sequence and biophysical properties (such as structural, functional, and spatial information, amino acid conservation, physicochemical variation, residue mobility, and thermodynamic stability) performed at Invitae indicates that this missense variant is not expected to disrupt PHKG2 protein function. In summary, the available evidence is currently insufficient to determine the role of this variant in disease. Therefore, it has been classified as a Variant of Uncertain Significance.

Blueprint Genetics
Classification: Uncertain significance. Last evaluated: 2020-05-27. Review status: criteria provided, single submitter. Criteria: ACMG Guidelines, 2015. Collection method: clinical testing. Allele origin: germline.

NM_000294.3(PHKG2):c.353A>G (p.Tyr118Cys)

Gene: PHKG2 (phosphorylase kinase catalytic subunit gamma 2; plus strand). Cytogenetic location: 16p11.2.
Variant type: single nucleotide variant.
Coding change: c.353A>G on transcript NM_000294.3 (MANE Select); coding-DNA position 353, A replaced by G.
Protein change: p.Tyr118Cys; replaces tyrosine 118 with cysteine.
Molecular consequence: missense variant.
Genome position (GRCh38, 1-based): chr16:30,753,258, A>G. VCF-style: chr16-30753258-A-G. GRCh37 (hg19) VCF-style: chr16-30764579-A-G.
Other names: c.353A>G, p.Tyr118Cys (NM_001172432.2); c.353A>G (NM_000294.2); short protein forms Y118C.
Identifiers: ClinVar variation 1431972 (VCV001431972.7), dbSNP rs370423261, ClinGen allele CA8013140.